The following is an entry in ClinVar:

NM_033026.6(PCLO):c.10466G>A (p.Arg3489Lys)

Gene: PCLO (piccolo presynaptic cytomatrix protein; minus strand). Cytogenetic location: 7q21.11.
Variant type: single nucleotide variant.
Coding change: c.10466G>A on transcript NM_033026.6 (MANE Select); coding-DNA position 10466, G replaced by A.
Protein change: p.Arg3489Lys; replaces arginine 3489 with lysine.
Molecular consequence: missense variant.
Genome position (GRCh38, 1-based): chr7:82,950,122, C>T on the plus strand (G>A on the coding strand, the complement: PCLO is on the minus strand). VCF-style: chr7-82950122-C-T. GRCh37 (hg19) VCF-style: chr7-82579438-C-T.
Other names: c.10466G>A, p.Arg3489Lys (NM_014510.3); c.10466G>A (NM_033026.5); short protein forms R3489K.
Identifiers: ClinVar variation 1525820 (VCV001525820.6), dbSNP rs200277138, ClinGen allele CA4319731.
Genomic context (GRCh38, chr7:82,950,122, plus strand): 5'-GGTTTGGTCTTGTCAGCCTCTGTCATGCTGTCACCATATTTCCCTACACGAGCTTTCCTC[C>T]TTGATCTAGTAGGCATATCCCACTCATCCTGATCTTCATCATCAGTTTGGACGCTTGTAT-3'
Protein context (NP_149015.2, residues 3479-3499): QDEWDMPTRS[Arg3489Lys]RKARVGKYGD

ClinVar aggregate classification (germline): Uncertain significance. Review status: criteria provided, multiple submitters, no conflicts (2 of 4 stars). 2 submissions from 2 submitters: Uncertain significance (2). Last evaluated 2024-04-15.

Conditions:
Inborn genetic diseases. Identifiers: MedGen C0950123, MeSH D030342.

Allele frequency attached by ClinVar (database versions not stated): gnomAD exomes below 0.00001 and 0.00001; ExAC 0.00002; gnomAD 0.00002; ESP Exome Variant Server 0.00008.
gnomAD v4.1: 9 of 1,609,948 alleles (0.00056%); highest among the groups gnomAD compares: South Asian, 0.0011%; no homozygotes.

Submissions (2):

Ambry Genetics
Classification: Uncertain significance for Inborn genetic diseases. Last evaluated: 2024-04-15. Review status: criteria provided, single submitter. Criteria: Ambry Variant Classification Scheme 2023. Collection method: clinical testing. Allele origin: germline.

Labcorp Genetics (formerly Invitae), Labcorp
Classification: Uncertain significance. Last evaluated: 2021-08-27. Review status: criteria provided, single submitter. Criteria: Invitae Variant Classification Sherloc (09022015). Collection method: clinical testing. Allele origin: germline.
Comment: This sequence change replaces arginine with lysine at codon 3489 of the PCLO protein (p.Arg3489Lys). The arginine residue is highly conserved and there is a small physicochemical difference between arginine and lysine. This variant is present in population databases (rs200277138, ExAC 0.003%). This variant has not been reported in the literature in individuals affected with PCLO-related conditions. Algorithms developed to predict the effect of missense changes on protein structure and function are either unavailable or do not agree on the potential impact of this missense change (SIFT: "Deleterious"; PolyPhen-2: "Not Available"; Align-GVGD: "Class C0"). In summary, the available evidence is currently insufficient to determine the role of this variant in disease. Therefore, it has been classified as a Variant of Uncertain Significance.